The following is an entry in ClinVar:

NM_006231.4(POLE):c.3634A>T (p.Met1212Leu)

Gene: POLE (DNA polymerase epsilon, catalytic subunit; minus strand). Cytogenetic location: 12q24.33.
Variant type: single nucleotide variant.
Coding change: c.3634A>T on transcript NM_006231.4 (MANE Select); coding-DNA position 3634, A replaced by T.
Protein change: p.Met1212Leu; replaces methionine 1212 with leucine.
Molecular consequence: missense variant.
Genome position (GRCh38, 1-based): chr12:132,649,838, T>A on the plus strand (A>T on the coding strand, the complement: POLE is on the minus strand). VCF-style: chr12-132649838-T-A. GRCh37 (hg19) VCF-style: chr12-133226424-T-A.
Other names: short protein forms M1212L.
Identifiers: ClinVar variation 1717254 (VCV001717254.5), dbSNP rs1565946789, ClinGen allele CA387386893.

ClinVar aggregate classification (germline): Uncertain significance (1 of 4 stars; one submission).

Submission:

Labcorp Genetics (formerly Invitae), Labcorp
Classification: Uncertain significance. Last evaluated: 2026-01-13. Review status: criteria provided, single submitter. Criteria: Invitae Variant Classification Sherloc (09022015). Collection method: clinical testing. Allele origin: germline.
Comment: This sequence change replaces methionine, which is neutral and non-polar, with leucine, which is neutral and non-polar, at codon 1212 of the POLE protein (p.Met1212Leu). This variant is not present in population databases (gnomAD no frequency). This variant has not been reported in the literature in individuals affected with POLE-related conditions. ClinVar contains an entry for this variant (Variation ID: 1717254). Invitae Evidence Modeling of protein sequence and biophysical properties (such as structural, functional, and spatial information, amino acid conservation, physicochemical variation, residue mobility, and thermodynamic stability) indicates that this missense variant is not expected to disrupt POLE protein function with a negative predictive value of 80%. In summary, the available evidence is currently insufficient to determine the role of this variant in disease. Therefore, it has been classified as a Variant of Uncertain Significance.